The following is an entry in ClinVar:

ClinVar aggregate classification (germline): Pathogenic. Review status: criteria provided, single submitter (1 of 4 stars). 2 submissions from 2 submitters: Pathogenic (1). 1 of the submissions does not count toward it. Last evaluated 2022-02-27.

Conditions:
Autosomal recessive congenital ichthyosis 4A (LI2). Also called: ICHTHYOSIS CONGENITA IIB. Identifiers: Orphanet 313, MedGen C1832550, MONDO:0011026, OMIM 601277.
Autosomal recessive congenital ichthyosis 4B (ARCI4B). Also called: ICHTHYOSIS CONGENITA, HARLEQUIN FETUS TYPE; Ichthyosis, congenital, autosomal recessive 4B (harlequin); Harlequin Fetus; HARLEQUIN ICHTHYOSIS. Identifiers: Orphanet 457, MedGen C0598226, MONDO:0009443, OMIM 242500.

Allele frequency attached by ClinVar (database versions not stated): TOPMed below 0.00001.

Submissions (2):

Labcorp Genetics (formerly Invitae), Labcorp
Classification: Pathogenic. Last evaluated: 2022-02-27. Review status: criteria provided, single submitter. Criteria: Invitae Variant Classification Sherloc (09022015). Collection method: clinical testing. Allele origin: germline.
Comment: This sequence change creates a premature translational stop signal (p.Tyr1222*) in the ABCA12 gene. It is expected to result in an absent or disrupted protein product. Loss-of-function variants in ABCA12 are known to be pathogenic (PMID: 20672373). This variant is not present in population databases (gnomAD no frequency). For these reasons, this variant has been classified as Pathogenic. This premature translational stop signal has been observed in individual(s) with ichthyosis (PMID: 27848944).

Department of Genetics, Suzhou Beikang Medical Laboratory
Classification: Pathogenic for Autosomal recessive congenital ichthyosis 4A; Autosomal recessive congenital ichthyosis 4B. Last evaluated: 2024-10-31. Review status: no assertion criteria provided. Collection method: clinical testing. Allele origin: germline. Affected: no. Not counted in ClinVar's aggregate classification.
Comment: For these reasons, this variant has been classified as Pathogenic. This sequence change creates a premature translational stop signal (p.Tyr1222*) in the ABCA12 gene. It is expected to result in an absent or disrupted protein product. Loss of function is an established mechanism of ABCA12-related disease.This variant is not present in population databases (gnomAD no frequency). ClinVar contains an entry for this variant (Variation ID: 2203258). This premature translational stop signal has been observed in individual(s) with autosomal recessive congenital ichthyosis (PMID:27848944).

Literature cited by the submitters: PubMed 20672373 (cited by Labcorp Genetics (formerly Invitae), Labcorp); PubMed 27848944 (cited by Labcorp Genetics (formerly Invitae), Labcorp).

NM_173076.3(ABCA12):c.3666C>A (p.Tyr1222Ter)

Gene: ABCA12 (ATP binding cassette subfamily A member 12; minus strand). Cytogenetic location: 2q35.
Variant type: single nucleotide variant.
Coding change: c.3666C>A on transcript NM_173076.3 (MANE Select); coding-DNA position 3666, C replaced by A.
Protein change: p.Tyr1222Ter; replaces tyrosine 1222 with a stop codon.
Molecular consequence: nonsense. On other transcripts: non-coding transcript variant (1).
Genome position (GRCh38, 1-based): chr2:214,989,580, G>T on the plus strand (C>A on the coding strand, the complement: ABCA12 is on the minus strand). VCF-style: chr2-214989580-G-T. GRCh37 (hg19) VCF-style: chr2-215854304-G-T.
Other names: c.2712C>A, p.Tyr904Ter (NM_015657.4); short protein forms Y1222*, Y904*.
Identifiers: ClinVar variation 2203258 (VCV002203258.5), dbSNP rs1699869352, ClinGen allele CA350467952.